The following is an entry in ClinVar:

NM_020937.4(FANCM):c.5048_5052del (p.Lys1683fs)

Gene: FANCM (FA complementation group M; plus strand). Cytogenetic location: 14q21.2.
Variant type: Deletion.
Coding change: c.5048_5052del on transcript NM_020937.4 (MANE Select); coding-DNA positions 5048 to 5052, 5 bases deleted (AAAGA; older notation c.5048_5052delAAAGA).
Protein change: p.Lys1683fs; shifts the reading frame from lysine 1683.
Molecular consequence: frameshift variant.
Genome position (GRCh38, 1-based): chr14:45,189,070-45,189,074, AAAGA deleted; deleting any 5 consecutive bases within chr14:45,189,069-45,189,074 gives the same sequence; the c. name uses the placement nearest the transcript's 3' end. VCF-style (leftmost placement, unchanged base first): chr14-45189068-TAAAAG-T. GRCh37 (hg19) VCF-style: chr14-45658271-TAAAAG-T.
Other names: c.4970_4974del, p.Lys1657fs (NM_001308133.2); short protein forms K1657fs, K1683fs.
Identifiers: ClinVar variation 861125 (VCV000861125.10), dbSNP rs1566782962, ClinGen allele CA614273487.

ClinVar aggregate classification (germline): Pathogenic/Likely pathogenic. Review status: criteria provided, multiple submitters, no conflicts (2 of 4 stars). 2 submissions from 2 submitters: Pathogenic (1); Likely pathogenic (1). Last evaluated 2023-05-12.

Conditions:
Fanconi anemia (FA). Also called: Fanconi's anemia. Identifiers: Orphanet 84, MedGen C0015625, MeSH D005199, MONDO:0019391.

Submissions (2):

GeneDx
Classification: Likely pathogenic. Last evaluated: 2023-05-12. Review status: criteria provided, single submitter. Criteria: GeneDx Variant Classification Process June 2021. Collection method: clinical testing. Allele origin: germline. Affected: yes.
Comment: Frameshift variant predicted to result in protein truncation or nonsense mediated decay in a gene for which loss-of-function is a known mechanism of disease; Not observed at significant frequency in large population cohorts (gnomAD); Observed in individual(s) with breast cancer (Figlioli et al., 2020); This variant is associated with the following publications: (PMID: 27535533, 29895858, 30075111, 31991861)

Labcorp Genetics (formerly Invitae), Labcorp
Classification: Pathogenic for Fanconi anemia. Last evaluated: 2023-03-07. Review status: criteria provided, single submitter. Criteria: Invitae Variant Classification Sherloc (09022015). Collection method: clinical testing. Allele origin: germline.
Comment: This sequence change creates a premature translational stop signal (p.Lys1683Argfs*3) in the FANCM gene. It is expected to result in an absent or disrupted protein product. Loss-of-function variants in FANCM are known to be pathogenic (PMID: 29895858, 30075111). For these reasons, this variant has been classified as Pathogenic. ClinVar contains an entry for this variant (Variation ID: 861125). This premature translational stop signal has been observed in individual(s) with breast cancer (PMID: 31991861). This variant is present in population databases (no rsID available, gnomAD 0.0009%).

Literature cited by the submitters: PubMed 29895858 (cited by Labcorp Genetics (formerly Invitae), Labcorp); PubMed 30075111 (cited by Labcorp Genetics (formerly Invitae), Labcorp); PubMed 31991861 (cited by Labcorp Genetics (formerly Invitae), Labcorp).